The following is an entry in ClinVar:

NM_004239.4(TRIP11):c.1532T>A (p.Met511Lys)

Gene: TRIP11 (thyroid hormone receptor interactor 11; minus strand). Cytogenetic location: 14q32.12.
Variant type: single nucleotide variant.
Coding change: c.1532T>A on transcript NM_004239.4 (MANE Select); coding-DNA position 1532, T replaced by A.
Protein change: p.Met511Lys; replaces methionine 511 with lysine.
Molecular consequence: missense variant.
Genome position (GRCh38, 1-based): chr14:92,006,444, A>T on the plus strand (T>A on the coding strand, the complement: TRIP11 is on the minus strand). VCF-style: chr14-92006444-A-T. GRCh37 (hg19) VCF-style: chr14-92472788-A-T.
Other names: c.1529T>A, p.Met510Lys (NM_001321851.1); short protein forms M511K, M510K.
Identifiers: ClinVar variation 3664828 (VCV003664828.2).
Genomic context (GRCh38, chr14:92,006,444, plus strand): 5'-TTACTGATGATGCTATCTCCTTCATTTTGTTGTTTTGATAGCTGATCTTTTATCAAAATC[A>T]TGTGCTGAAAGAAAAATTTGCATGGTGACTTTACAACATGTTCTCATTTTAGTACTCAAA-3'
Protein context (NP_004230.2, residues 501-521): DRQNQEATKH[Met511Lys]ILIKDQLSKQ

ClinVar aggregate classification (germline): Uncertain significance (1 of 4 stars; one submission).

Conditions:
Achondrogenesis, type IA (ACG1A). Identifiers: Orphanet 932, Orphanet 93299, MedGen C0265273, MONDO:0008701, OMIM 200600.

gnomAD v4.1: 125 of 1,612,098 alleles (0.0078%); highest among the groups gnomAD compares: Non-Finnish European, 0.011%; no homozygotes.

Submissions (2):

Labcorp Genetics (formerly Invitae), Labcorp
Classification: Uncertain significance for Achondrogenesis, type IA. Last evaluated: 2024-04-19. Review status: criteria provided, single submitter. Criteria: Invitae Variant Classification Sherloc (09022015). Collection method: clinical testing. Allele origin: germline.
Comment: This sequence change replaces methionine, which is neutral and non-polar, with lysine, which is basic and polar, at codon 511 of the TRIP11 protein (p.Met511Lys). This variant is present in population databases (no rsID available, gnomAD 0.004%). This variant has not been reported in the literature in individuals affected with TRIP11-related conditions. Advanced modeling of protein sequence and biophysical properties (such as structural, functional, and spatial information, amino acid conservation, physicochemical variation, residue mobility, and thermodynamic stability) performed at Invitae indicates that this missense variant is not expected to disrupt TRIP11 protein function with a negative predictive value of 80%. In summary, the available evidence is currently insufficient to determine the role of this variant in disease. Therefore, it has been classified as a Variant of Uncertain Significance.

Dr. Peter K. Rogan Lab, Western University
No classification provided (evidence only). Condition: Cervical cancer. Review status: no classification provided. Collection method: in vitro. Allele origin: not applicable. Functional consequence: skipped exon. Not counted in ClinVar's aggregate classification.